The following is an entry in ClinVar:

ClinVar aggregate classification (germline): Pathogenic (1 of 4 stars; one submission).

Allele frequency attached by ClinVar (database versions not stated): gnomAD exomes below 0.00001.
gnomAD v4.1: 1 of 1,417,780 alleles (0.000071%); highest among the groups gnomAD compares: Non-Finnish European, 0.000099%; no homozygotes.

Submission:

Labcorp Genetics (formerly Invitae), Labcorp
Classification: Pathogenic. Last evaluated: 2021-06-07. Review status: criteria provided, single submitter. Criteria: Invitae Variant Classification Sherloc (09022015). Collection method: clinical testing. Allele origin: germline.
Comment: This variant is not present in population databases (ExAC no frequency). This variant has not been reported in the literature in individuals with TRIOBP-related conditions. For these reasons, this variant has been classified as Pathogenic. This sequence change creates a premature translational stop signal (p.Gln408*) in the TRIOBP gene. It is expected to result in an absent or disrupted protein product. Loss-of-function variants in TRIOBP are known to be pathogenic (PMID: 16385457, 16385458, 20510926).

Literature cited by the submitters: PubMed 16385457; PubMed 16385458; PubMed 20510926.

NM_001039141.3(TRIOBP):c.1222C>T (p.Gln408Ter)

Gene: TRIOBP (TRIO and F-actin binding protein; plus strand). Cytogenetic location: 22q13.1.
Variant type: single nucleotide variant.
Coding change: c.1222C>T on transcript NM_001039141.3 (MANE Select); coding-DNA position 1222, C replaced by T.
Protein change: p.Gln408Ter; replaces glutamine 408 with a stop codon.
Molecular consequence: nonsense.
Genome position (GRCh38, 1-based): chr22:37,723,778, C>T. VCF-style: chr22-37723778-C-T. GRCh37 (hg19) VCF-style: chr22-38119785-C-T.
Other names: short protein forms Q408*.
Identifiers: ClinVar variation 1455452 (VCV001455452.6), dbSNP rs2145832569, ClinGen allele CA411459403.